The following is an entry in ClinVar:

NM_001367624.2(ZNF469):c.1739C>A (p.Pro580Gln)

Gene: ZNF469 (zinc finger protein 469; plus strand). Cytogenetic location: 16q24.2.
Variant type: single nucleotide variant.
Coding change: c.1739C>A on transcript NM_001367624.2 (MANE Select); coding-DNA position 1739, C replaced by A.
Protein change: p.Pro580Gln; replaces proline 580 with glutamine.
Molecular consequence: missense variant.
Genome position (GRCh38, 1-based): chr16:88,429,209, C>A. VCF-style: chr16-88429209-C-A. GRCh37 (hg19) VCF-style: chr16-88495617-C-A.
Other names: NM_001127464.1:c.1739C>A; short protein forms P580Q.
Identifiers: ClinVar variation 3987287 (VCV003987287.2).
Genomic context (GRCh38, chr16:88,429,209, plus strand): 5'-CCCTGTTCTTCGGGGTGGCCCAGCCCCAGGTTTCACCCCACGGGACACCCAGCCTGCCCC[C>A]ACCGAGGGTAGTGGGAGCCTCCCCCAGCGAGTCCCCACTGCCGTCACCGGCCACCAACAC-3'
Protein context (NP_001354553.1, residues 570-590): VSPHGTPSLP[Pro580Gln]PRVVGASPSE

ClinVar aggregate classification (germline): Uncertain significance. Review status: criteria provided, multiple submitters, no conflicts (2 of 4 stars). 2 submissions from 2 submitters: Uncertain significance (2). Last evaluated 2025-09-29.

Conditions:
Cardiovascular phenotype. Identifiers: MedGen CN230736.

gnomAD v4.1: 2 of 1,549,904 alleles (0.00013%); highest among the groups gnomAD compares: African/African-American, 0.0027%; no homozygotes.

Submissions (2):

Labcorp Genetics (formerly Invitae), Labcorp
Classification: Uncertain significance. Last evaluated: 2025-09-29. Review status: criteria provided, single submitter. Criteria: Invitae Variant Classification Sherloc (09022015). Collection method: clinical testing. Allele origin: germline.
Comment: This sequence change replaces proline, which is neutral and non-polar, with glutamine, which is neutral and polar, at codon 580 of the ZNF469 protein (p.Pro580Gln). This variant is not present in population databases (gnomAD no frequency). This variant has not been reported in the literature in individuals affected with ZNF469-related conditions. ClinVar contains an entry for this variant (Variation ID: 3987287). An algorithm developed to predict the effect of missense changes on protein structure and function (PolyPhen-2) suggests that this variant is likely to be tolerated. In summary, the available evidence is currently insufficient to determine the role of this variant in disease. Therefore, it has been classified as a Variant of Uncertain Significance.

Ambry Genetics
Classification: Uncertain significance for Cardiovascular phenotype. Last evaluated: 2025-03-23. Review status: criteria provided, single submitter. Criteria: Ambry Variant Classification Scheme 2023. Collection method: clinical testing. Allele origin: germline.
Comment: The p.P580Q variant (also known as c.1739C>A), located in coding exon 1 of the ZNF469 gene, results from a C to A substitution at nucleotide position 1739. The proline at codon 580 is replaced by glutamine, an amino acid with similar properties. This amino acid position is conserved. In addition, this alteration is predicted to be tolerated by in silico analysis. Based on the available evidence, the clinical significance of this variant remains unclear.